The following is an entry in ClinVar:

ClinVar aggregate classification (germline): Uncertain significance. Review status: criteria provided, multiple submitters, no conflicts (2 of 4 stars). 2 submissions from 2 submitters: Uncertain significance (2). Last evaluated 2024-02-12.

Conditions:
Brachydactyly type B1 (BDB1). Identifiers: Orphanet 572385, Orphanet 93383, MedGen C1862112, MONDO:0007220, OMIM 113000.
Autosomal recessive Robinow syndrome (RRS1). Also called: ROBINOW SYNDROME, AUTOSOMAL RECESSIVE 1; COSTOVERTEBRAL SEGMENTATION DEFECT WITH MESOMELIA; COVESDEM SYNDROME; ROR2-Related Robinow Syndrome. Identifiers: Orphanet 1507, Orphanet 97360, MedGen C5399974, MONDO:0009999, OMIM 268310.

Allele frequency attached by ClinVar (database versions not stated): TOPMed below 0.00001; gnomAD 0.00001; gnomAD exomes 0.00001.
gnomAD v4.1: 12 of 1,612,670 alleles (0.00074%); highest among the groups gnomAD compares: Admixed American, 0.0017%; no homozygotes.

Submissions (2):

Fulgent Genetics
Classification: Uncertain significance for Brachydactyly type B1; Autosomal recessive Robinow syndrome. Last evaluated: 2024-02-12. Review status: criteria provided, single submitter. Criteria: ACMG Guidelines, 2015. Collection method: clinical testing. Allele origin: germline.

GeneDx
Classification: Uncertain significance. Last evaluated: 2020-10-27. Review status: criteria provided, single submitter. Criteria: GeneDx Variant Classification Process June 2021. Collection method: clinical testing. Allele origin: germline. Affected: yes.
Comment: Not observed at a significant frequency in large population cohorts (Lek et al., 2016); In silico analysis supports that this missense variant has a deleterious effect on protein structure/function; Has not been previously published as pathogenic or benign to our knowledge

NM_004560.4(ROR2):c.746G>A (p.Arg249His)

Gene: ROR2 (receptor tyrosine kinase like orphan receptor 2; minus strand). Cytogenetic location: 9q22.31.
Variant type: single nucleotide variant.
Coding change: c.746G>A on transcript NM_004560.4 (MANE Select); coding-DNA position 746, G replaced by A.
Protein change: p.Arg249His; replaces arginine 249 with histidine.
Molecular consequence: missense variant.
Genome position (GRCh38, 1-based): chr9:91,733,313, C>T on the plus strand (G>A on the coding strand, the complement: ROR2 is on the minus strand). VCF-style: chr9-91733313-C-T. GRCh37 (hg19) VCF-style: chr9-94495595-C-T.
Other names: c.746G>A, p.Arg249His (NM_001318204.2); short protein forms R249H.
Identifiers: ClinVar variation 1304050 (VCV001304050.3), dbSNP rs1347793502, ClinGen allele CA373801138.